The following continues an entry in ClinVar:

NM_054012.4(ASS1):c.1168G>A (p.Gly390Arg)

Gene: ASS1. ClinVar aggregate classification (germline): Pathogenic/Likely pathogenic. Pathogenic (23); Likely pathogenic (2).

Submissions 13 to 29 of 29:

Revvity Omics, Revvity
Classification: Pathogenic for Citrullinemia type I. Last evaluated: 2024-02-12. Review status: criteria provided, single submitter. Criteria: ACMG Guidelines, 2015. Collection method: clinical testing. Allele origin: germline.

Neuberg Centre For Genomic Medicine, NCGM
Classification: Pathogenic for Citrullinemia type I. Last evaluated: 2024-02-01. Review status: criteria provided, single submitter. Criteria: ACMG Guidelines, 2015. Collection method: clinical testing. Allele origin: germline. Inheritance: Autosomal recessive inheritance.
Comment: The above variant has been reported previously in homozygous state in individual(s) affected with citrullinemia (Daou M et al 2023). In the absence of another reportable variant in ASS1 gene, the molecular diagnosis not confirmed.

Department of Pathology and Laboratory Medicine, Sinai Health System
Classification: Pathogenic for citrullinemia type I. Last evaluated: 2023-08-09. Review status: criteria provided, single submitter. Criteria: ACMG Guidelines, 2015. Collection method: research. Allele origin: germline.

Genomic Medicine Lab, University of California San Francisco
Classification: Pathogenic for Citrullinemia type I. Last evaluated: 2023-04-04. Review status: criteria provided, single submitter. Criteria: ACMG Guidelines, 2015. Collection method: clinical testing. Allele origin: biparental. Affected: yes.

Ambry Genetics
Classification: Pathogenic for Inborn genetic diseases. Last evaluated: 2022-02-04. Review status: criteria provided, single submitter. Criteria: Ambry Variant Classification Scheme 2023. Collection method: clinical testing. Allele origin: germline.
Comment: The c.1168G>A (p.G390R) alteration is located in exon 15 (coding exon 13) of the ASS1 gene. This alteration results from a G to A substitution at nucleotide position 1168, causing the glycine (G) at amino acid position 390 to be replaced by an arginine (R). Based on data from gnomAD, the A allele has an overall frequency of 0.03% (86/282044) total alleles studied. The highest observed frequency was 0.11% (32/30412) of South Asian alleles. This mutation has been reported in the homozygous and compound heterozygous states in patients with citrullinemia and is the most commonly reported mutation in multiple cohorts worldwide (Gao, 2003; Diez-Fernandez, 2017). This amino acid position is highly conserved in available vertebrate species. In vitro studies demonstrate that this mutation results in significantly reduced enzymatic activity in multiple cell types (Berning, 2008; Zielonka, 2019). This alteration is predicted to be deleterious by in silico analysis. Based on the available evidence, this alteration is classified as pathogenic.

Genome-Nilou Lab
Classification: Likely pathogenic for Citrullinemia type I. Last evaluated: 2021-07-22. Review status: criteria provided, single submitter. Criteria: ACMG Guidelines, 2015. Collection method: clinical testing. Allele origin: germline. Affected: no.

Centre for Mendelian Genomics, University Medical Centre Ljubljana
Classification: Pathogenic for Citrullinemia type I. Last evaluated: 2019-01-31. Review status: criteria provided, single submitter. Criteria: ACMG Guidelines, 2015. Collection method: clinical testing. Allele origin: unknown. Affected: yes.
Comment: This variant was classified as: Pathogenic. The following ACMG criteria were applied in classifying this variant: PS1,PS3,PM2,PM3,PP3,PP4.

Eurofins Ntd Llc (ga)
Classification: Pathogenic. Last evaluated: 2018-04-20. Review status: criteria provided, single submitter. Criteria: EGL ClinVar v180209 classification definitions. Collection method: clinical testing. Allele origin: germline. Observed: 14 variant alleles, 9 heterozygotes, 5 homozygotes.

Fulgent Genetics
Classification: Pathogenic for Citrullinemia type I. Last evaluated: 2017-05-18. Review status: criteria provided, single submitter. Criteria: ACMG Guidelines, 2015. Collection method: clinical testing. Allele origin: unknown.

Women's Health and Genetics/Laboratory Corporation of America, LabCorp
Classification: Pathogenic for Citrullinemia. Last evaluated: 2016-04-12. Review status: criteria provided, single submitter. Criteria: LabCorp Variant Classification Summary - May 2015. Collection method: clinical testing. Allele origin: germline.
Comment: Variant summary: The ASS1 c.1168G>A variant affects a conserved nucleotide, resulting in amino acid change from Gly to Arg. Gly390 is located in a-helix 12 and is important for intermolecular contact of the multimerization tails, and 5/5 in-silico tools predict damaging outcome for this variant. The enzymatic ASS activity of G390R was shown to be below 2% of the wild-type protein (Berning_HM_2008). This variant was found in 45/113324 control chromosomes at a frequency of 0.0003971, which does not exceed maximal expected frequency of a pathogenic ASS1 allele (0.0040825). This variant is reported as the most common mutation in patients with the classic phenotype of citrullinemia. In addition, several clinical laboratories classified this variant as pathogenic. Taken together, this variant was classified as pathogenic.

Clinical Genetics Service, Universitary Hospital 12 de Octubre
Classification: Pathogenic for Citrullinemia type I. Review status: criteria provided, single submitter. Criteria: ACMG Guidelines, 2015. Collection method: clinical testing. Allele origin: germline. Affected: no.

Kariminejad - Najmabadi Pathology & Genetics Center
Classification: Pathogenic for Citrullinemia type I. Review status: criteria provided, single submitter. Criteria: ACMG Guidelines, 2015. Collection method: clinical testing. Allele origin: germline. Affected: no.

Kasturba Medical College, Manipal, Kasturba Medical College, Manipal, Manipal Academy of Higher Education, Manipal, India
Classification: Likely pathogenic for Citrullinemia type I. Review status: criteria provided, single submitter. Criteria: ACMG Guidelines, 2015. Collection method: clinical testing. Allele origin: inherited. Inheritance: Autosomal dominant inheritance. Affected: yes.

Department of Reproductive Genetics, International Peace Maternity and Child Health Hospital, Shanghai Jiao Tong University School of Medicine
Classification: Pathogenic for Citrullinemia. Last evaluated: 2025-05-01. Review status: no assertion criteria provided. Collection method: clinical testing. Allele origin: inherited. Affected: yes. Not counted in ClinVar's aggregate classification.
Comment: This missense variant has been reported in the literature as biallelic or a compound heterozygous state in multiple individuals affected with Citrullinemia (PMID:16475226;12815590;23430935). In-silico tool predicts a pathogenic outcome for this variant. Functional studies in vitro or in vivo support that this variation can have harmful effects on genes or gene products(PMID:18473344).

Foundation for Research in Genetics and Endocrinology, FRIGE's Institute of Human Genetics
Classification: Likely pathogenic for Citrullinemia type I. Last evaluated: 2016-08-29. Review status: no assertion criteria provided. Collection method: clinical testing. Allele origin: germline. Inheritance: Autosomal recessive inheritance. Affected: no. Observed: 2 variant alleles, 2 heterozygotes. Not counted in ClinVar's aggregate classification.
Comment: The observed variant c.1168G>A (p.Gly390Arg) is not reported in 1000 Genomes and has a minor allele frequency of 0.00040 in ExAC databases. The in silico prediction of the variant is disease causing by MutationTaster2, damaging by SIFT and probably damaging by Polyphen2.

OMIM
Classification: Pathogenic for CITRULLINEMIA, CLASSIC. Last evaluated: 2009-03-01. Review status: no assertion criteria provided. Collection method: literature only. Allele origin: germline. Not counted in ClinVar's aggregate classification.

GeneReviews
No classification provided. Condition: Citrullinemia type I. Review status: no classification provided. Collection method: literature only. Allele origin: germline. Affected: yes. Not counted in ClinVar's aggregate classification.

Literature cited by the submitters: PubMed 2358466 (cited by 4 submitters); PubMed 32778825 (cited by Department of Molecular Genetics, Istishari Arab Hospital); PubMed 18473344 (cited by 7 submitters); PubMed 11708871 (cited by Labcorp Genetics (formerly Invitae), Labcorp and Mayo Clinic Laboratories, Mayo Clinic); PubMed 12815590 (cited by 8 submitters); PubMed 19006241 (cited by 3 submitters); PubMed 19358837 (cited by 3 submitters); PubMed 23430935 (cited by Labcorp Genetics (formerly Invitae), Labcorp and Department of Reproductive Genetics, International Peace Maternity and Child Health Hospital, Shanghai Jiao Tong University School of Medicine); PubMed 8792870 (cited by Labcorp Genetics (formerly Invitae), Labcorp and 3billion); PubMed 16421053 (cited by Mayo Clinic Laboratories, Mayo Clinic); PubMed 25433810 (cited by Mayo Clinic Laboratories, Mayo Clinic and Women's Health and Genetics/Laboratory Corporation of America, LabCorp); PubMed 36263152 (cited by Mayo Clinic Laboratories, Mayo Clinic); PubMed 36680390 (cited by Mayo Clinic Laboratories, Mayo Clinic); PubMed 28111830 (cited by Ambry Genetics); PubMed 31469252 (cited by Ambry Genetics); PubMed 16475226 (cited by Department of Reproductive Genetics, International Peace Maternity and Child Health Hospital, Shanghai Jiao Tong University School of Medicine); Kobayashi, K., Jackson, M. J., Tick, D. B., O'Brien, W. E., Beaudet, A. L. Characterization of nine mutant alleles causing citrullinemia. (Abstract) Am. J. Hum. Genet. 45 (suppl.): A201-only, 1989. (cited by OMIM); PubMed 11941481 (cited by GeneReviews); NCBI Bookshelf NBK1458 (cited by GeneReviews).